The following is an entry in ClinVar:

NM_018344.6(SLC29A3):c.*429C>T

Gene: SLC29A3 (solute carrier family 29 member 3; plus strand). Cytogenetic location: 10q22.1.
Variant type: single nucleotide variant.
Coding change: c.*429C>T on transcript NM_018344.6 (MANE Select); 429 bases downstream of the stop codon, C replaced by T.
Molecular consequence: 3 prime UTR variant. On other transcripts: non-coding transcript variant (2).
Genome position (GRCh38, 1-based): chr10:71,363,037, C>T. VCF-style: chr10-71363037-C-T. GRCh37 (hg19) VCF-style: chr10-73122794-C-T.
Other names: c.*1086C>T (NM_001174098.2); c.*429C>T (NM_001363518.2).
Identifiers: ClinVar variation 300379 (VCV000300379.7), dbSNP rs140867523, ClinGen allele CA5543238.

ClinVar aggregate classification (germline): Benign/Likely benign. Review status: criteria provided, multiple submitters, no conflicts (2 of 4 stars). 3 submissions from 3 submitters: Benign (2); Likely benign (1). Last evaluated 2024-10-18.

Conditions:
H syndrome. Also called: Hyperpigmentation, Cutaneous, with Hypertrichosis, Hepatosplenomegaly, Heart Anomalies, Hearing Loss, and Hypogonadism; Histiocytosis-lymphadenopathy plus syndrome; FAISALABAD HISTIOCYTOSIS; HISTIOCYTOSIS AND LYMPHADENOPATHY WITH OR WITHOUT CUTANEOUS, CARDIAC, AND/OR ENDOCRINE FEATURES, JOINT CONTRACTURES, AND/OR DEAFNESS; HYPERPIGMENTATION, CUTANEOUS, WITH HYPERTRICHOSIS, HEPATOSPLENOMEGALY, HEART ANOMALIES, AND HYPOGONADISM WITH OR WITHOUT HEARING LOSS; PIGMENTED HYPERTRICHOSIS WITH INSULIN-DEPENDENT DIABETES MELLITUS. Identifiers: Orphanet 168569, MedGen C1864445, MONDO:0011273, OMIM 602782.

Allele frequency attached by ClinVar (database versions not stated): gnomAD exomes 0.00014 and 0.00019; ExAC 0.00028; TOPMed 0.00107; gnomAD 0.00113 and 0.00118; 1000 Genomes Project 30x 0.00125; 1000 Genomes Project 0.00160.
gnomAD v4.1: 219 of 457,564 alleles (0.048%); highest among the groups gnomAD compares: African/African-American, 0.37%; 2 homozygotes.

Submissions (3):

Blueprint Genetics
Classification: Likely benign. Last evaluated: 2024-10-18. Review status: criteria provided, single submitter. Criteria: ACMG Guidelines, 2015. Collection method: clinical testing. Allele origin: germline.

Illumina Laboratory Services, Illumina
Classification: Benign for H syndrome. Last evaluated: 2018-01-12. Review status: criteria provided, single submitter. Criteria: ICSL Variant Classification Criteria 13 December 2019. Collection method: clinical testing. Allele origin: germline.
Comment: This variant was observed in the ICSL laboratory as part of a predisposition screen in an ostensibly healthy population. It had not been previously curated by ICSL or reported in the Human Gene Mutation Database (HGMD: prior to June 1st, 2018), and was therefore a candidate for classification through an automated scoring system. Utilizing variant allele frequency, disease prevalence and penetrance estimates, and inheritance mode, an automated score was calculated to assess if this variant is too frequent to cause the disease. Based on the score and internal cut-off values, a variant classified as benign is not then subjected to further curation. The score for this variant resulted in a classification of benign for this disease.

Breakthrough Genomics
Classification: Benign. Review status: criteria provided, single submitter. Criteria: ACMG Guidelines, 2015. Collection method: not provided. Allele origin: germline. Inheritance: Autosomal recessive inheritance. Affected: yes.